The following is an entry in ClinVar:

NM_001394062.1(MACF1):c.11302C>T (p.Leu3768Phe)

Gene: MACF1 (microtubule actin crosslinking factor 1; plus strand). Cytogenetic location: 1p34.3.
Variant type: single nucleotide variant.
Coding change: c.11302C>T on transcript NM_001394062.1 (MANE Select); coding-DNA position 11302, C replaced by T.
Protein change: p.Leu3768Phe; replaces leucine 3768 with phenylalanine.
Molecular consequence: missense variant.
Genome position (GRCh38, 1-based): chr1:39,353,109, C>T. VCF-style: chr1-39353109-C-T. GRCh37 (hg19) VCF-style: chr1-39818781-C-T.
Other names: c.5116C>T, p.Leu1706Phe (NM_012090.5); short protein forms L1706F, L3768F.
Identifiers: ClinVar variation 4821188 (VCV004821188.4).
Genomic context (GRCh38, chr1:39,353,109, plus strand): 5'-GATGCTCTCCTGGATTGGGTAACTTCAGTAGGATCATCTGGTGGACAGCTGCTGACCAAC[C>T]TTCCAGGAATGGAGCAGCTCTCGGGAGCTAGCTTGGAGAAAGGAGCCTTGGACACCACTG-3'
Protein context (NP_001380991.1, residues 3758-3778): GSSGGQLLTN[Leu3768Phe]PGMEQLSGAS

ClinVar aggregate classification (germline): Likely benign (1 of 4 stars; one submission).

gnomAD v4.1: 14 of 1,614,020 alleles (0.00087%); highest among the groups gnomAD compares: Non-Finnish European, 0.0012%; no homozygotes.

Submission:

CeGaT Center for Human Genetics Tuebingen
Classification: Likely benign. Last evaluated: 2026-02-01. Review status: criteria provided, single submitter. Criteria: CeGaT Center For Human Genetics Tuebingen Variant Classification Criteria Version 2. Collection method: clinical testing. Allele origin: germline. Affected: yes. Observed: 1 variant allele.
Comment: MACF1: BP4